The following is an entry in ClinVar:

NM_005045.4(RELN):c.9369+6G>C

Genes: SLC26A5-AS1 (SLC26A5 antisense RNA 1; plus strand), RELN (reelin; minus strand). Cytogenetic location: 7q22.1.
Variant type: single nucleotide variant.
Coding change: c.9369+6G>C on transcript NM_005045.4 (MANE Select); 6 bases into the intron after coding-DNA position 9369, G replaced by C.
Molecular consequence: intron variant.
Genome position (GRCh38, 1-based): chr7:103,495,717, C>G on the plus strand (G>C on the coding strand, the complement: RELN is on the minus strand). VCF-style: chr7-103495717-C-G. GRCh37 (hg19) VCF-style: chr7-103136164-C-G.
Other names: c.9369+6G>C (NM_173054.3).
Identifiers: ClinVar variation 1046073 (VCV001046073.8), dbSNP rs770317549, ClinGen allele CA4420246.

ClinVar aggregate classification (germline): Uncertain significance (1 of 4 stars; one submission).

Conditions:
Norman-Roberts syndrome (LIS2). Also called: Lissencephaly 2 (Norman-Roberts type). Identifiers: Orphanet 89844, MedGen C0796089, MONDO:0009760, OMIM 257320.
Familial temporal lobe epilepsy 7. Identifiers: Orphanet 101046, MedGen C4225327, MONDO:0014639, OMIM 616436.

Allele frequency attached by ClinVar (database versions not stated): ExAC 0.00001; gnomAD 0.00001; gnomAD exomes 0.00001.
gnomAD v4.1: 4 of 1,613,834 alleles (0.00025%); highest among the groups gnomAD compares: Non-Finnish European, 0.00034%; no homozygotes.

Submission:

Labcorp Genetics (formerly Invitae), Labcorp
Classification: Uncertain significance for Familial temporal lobe epilepsy 7; Norman-Roberts syndrome. Last evaluated: 2023-01-28. Review status: criteria provided, single submitter. Criteria: Invitae Variant Classification Sherloc (09022015). Collection method: clinical testing. Allele origin: germline.
Comment: In summary, the available evidence is currently insufficient to determine the role of this variant in disease. Therefore, it has been classified as a Variant of Uncertain Significance. Variants that disrupt the consensus splice site are a relatively common cause of aberrant splicing (PMID: 17576681, 9536098). Algorithms developed to predict the effect of sequence changes on RNA splicing suggest that this variant is not likely to affect RNA splicing. ClinVar contains an entry for this variant (Variation ID: 1046073). This variant has not been reported in the literature in individuals affected with RELN-related conditions. This variant is present in population databases (rs770317549, gnomAD 0.002%). This sequence change falls in intron 57 of the RELN gene. It does not directly change the encoded amino acid sequence of the RELN protein. It affects a nucleotide within the consensus splice site.

Literature cited by the submitters: PubMed 17576681; PubMed 9536098.